The following is an entry in ClinVar:

ClinVar aggregate classification (germline): Likely benign. Review status: criteria provided, multiple submitters, no conflicts (2 of 4 stars). 5 submissions from 5 submitters: Likely benign (5). Last evaluated 2026-04-27.

Conditions:
Autosomal recessive limb-girdle muscular dystrophy type 2J (LGMDR10). Also called: MUSCULAR DYSTROPHY, LIMB-GIRDLE, AUTOSOMAL RECESSIVE 10; Limb-girdle muscular dystrophy, type 2J. Identifiers: Orphanet 140922, MedGen C1837342, MONDO:0012127, OMIM 608807.
Dilated cardiomyopathy 1G (CMD1G). Identifiers: Orphanet 154, MedGen C1858763, MONDO:0011400, OMIM 604145.
Cardiovascular phenotype. Identifiers: MedGen CN230736.
TTN-related disorder. Also called: TTN-related condition; TTN-related disease; TTN-related disorders.

Allele frequency attached by ClinVar (database versions not stated): TOPMed 0.00003.
gnomAD v4.1: 44 of 1,608,388 alleles (0.0027%); highest among the groups gnomAD compares: Middle Eastern, 0.017%; no homozygotes.

Submissions (5):

PreventionGenetics, part of Exact Sciences
Classification: Likely benign for TTN-related condition. Last evaluated: 2026-04-27. Review status: criteria provided, single submitter. Criteria: ACMG Guidelines, 2015. Collection method: clinical testing. Allele origin: germline.
Comment: This variant is classified as likely benign based on ACMG/AMP sequence variant interpretation guidelines (Richards et al. 2015 PMID: 25741868, with internal and published modifications).

Labcorp Genetics (formerly Invitae), Labcorp
Classification: Likely benign for Dilated cardiomyopathy 1G; Autosomal recessive limb-girdle muscular dystrophy type 2J. Last evaluated: 2025-09-03. Review status: criteria provided, single submitter. Criteria: Invitae Variant Classification Sherloc (09022015). Collection method: clinical testing. Allele origin: germline.

Women's Health and Genetics/Laboratory Corporation of America, LabCorp
Classification: Likely benign. Last evaluated: 2025-06-12. Review status: criteria provided, single submitter. Criteria: LabCorp Variant Classification Summary - May 2015. Collection method: clinical testing. Allele origin: germline.

Blueprint Genetics
Classification: Likely benign. Last evaluated: 2024-09-25. Review status: criteria provided, single submitter. Criteria: ACMG Guidelines, 2015. Collection method: clinical testing. Allele origin: germline.

Ambry Genetics
Classification: Likely benign for Cardiovascular phenotype. Last evaluated: 2013-01-17. Review status: criteria provided, single submitter. Criteria: Ambry Autosomal Dominant and X-Linked criteria (10/2015). Collection method: clinical testing. Allele origin: germline. Observed: 1 variant allele.

NM_001267550.2(TTN):c.23939-4A>G

Gene: TTN (titin; minus strand). Cytogenetic location: 2q31.2.
Variant type: single nucleotide variant.
Coding change: c.23939-4A>G on transcript NM_001267550.2 (MANE Select); 4 bases into the intron before coding-DNA position 23939, A replaced by G.
Molecular consequence: intron variant.
Genome position (GRCh38, 1-based): chr2:178,719,455, T>C on the plus strand (A>G on the coding strand, the complement: TTN is on the minus strand). VCF-style: chr2-178719455-T-C. GRCh37 (hg19) VCF-style: chr2-179584182-T-C.
Other names: c.20207-4A>G (NM_133378.4); c.13282+18627A>G (NM_003319.4); c.13858+18627A>G (NM_133437.4); c.13657+18627A>G (NM_133432.3); c.22988-4A>G (NM_001256850.1).
Identifiers: ClinVar variation 263492 (VCV000263492.17), dbSNP rs775692859, ClinGen allele CA2000529.
Genomic context (GRCh38, chr2:178,719,455, plus strand): 5'-CCAGGATGGCATTCACGTCTTTCAGCTTGCGGATGAAGGAAGGAGGCACAATCCGATCTA[T>C]GTGGGGAAGGGTAGTTTTGCGTTTAAAGAGAAGTTTTATTCTGTGCCCCTCCACCCCCTG-3'